The following is an entry in ClinVar:

ClinVar aggregate classification (germline): Pathogenic/Likely pathogenic. Review status: criteria provided, multiple submitters, no conflicts (2 of 4 stars). 4 submissions from 4 submitters: Pathogenic (3); Likely pathogenic (1). Last evaluated 2026-09-08.

Conditions:
GLA-related disorder. Also called: GLA-related condition.
Fabry disease. Also called: GLA DEFICIENCY; HEREDITARY DYSTOPIC LIPIDOSIS; Fabry's disease; ALPHA-GALACTOSIDASE A DEFICIENCY; ANDERSON-FABRY DISEASE; CERAMIDE TRIHEXOSIDASE DEFICIENCY. Identifiers: Orphanet 324, MedGen C0002986, MONDO:0010526, OMIM 301500, HP:0001071. Disease mechanism: Fabry disease is due to inactivating mutations in the X-linked GLA gene resulting in deficiency of the enzyme Alpha Galactosidase-A., loss of function.

Submissions (4):

Genomenon, Inc
Classification: Pathogenic for Fabry disease. Last evaluated: 2026-09-08. Review status: criteria provided, single submitter. Criteria: Genomenon Sequence Variant Interpretation Standards - Updated. Collection method: curation. Allele origin: germline. Affected: yes.
Comment: GLA p.Gly261ValfsTer8 (c.782del) is a frameshift variant that is predicted to introduce a premature termination codon and result in a truncated or absent protein product. This variant has been observed in at least one proband with clinical features consistent with Fabry disease (PMID:34356073;39669636;33204599;38002959). At least one functional study has demonstrated a substantial alteration in protein function relative to the wild-type (PMID:38847497). It is absent or not present at a significant frequency in gnomAD. In conclusion, we classify GLA p.Gly261ValfsTer8 (c.782del) as a pathogenic variant.

Labcorp Genetics (formerly Invitae), Labcorp
Classification: Pathogenic for Fabry disease. Last evaluated: 2024-09-18. Review status: criteria provided, single submitter. Criteria: Invitae Variant Classification Sherloc (09022015). Collection method: clinical testing. Allele origin: germline.
Comment: This sequence change creates a premature translational stop signal (p.Gly261Valfs*8) in the GLA gene. It is expected to result in an absent or disrupted protein product. Loss-of-function variants in GLA are known to be pathogenic (PMID: 10666480, 12175777). This variant is not present in population databases (gnomAD no frequency). This variant has not been reported in the literature in individuals affected with GLA-related conditions. ClinVar contains an entry for this variant (Variation ID: 1685852). For these reasons, this variant has been classified as Pathogenic.

PreventionGenetics, part of Exact Sciences
Classification: Likely pathogenic for GLA-related condition. Last evaluated: 2023-04-04. Review status: criteria provided, single submitter. Criteria: ACMG Guidelines, 2015. Collection method: clinical testing. Allele origin: germline.
Comment: The GLA c.782delG variant is predicted to result in a frameshift and premature protein termination (p.Gly261Valfs*8). This variant has not been reported in a large population database, indicating this variant is rare. Frameshift variants in GLA are expected to be pathogenic. This variant is interpreted as likely pathogenic.

Mendelics
Classification: Pathogenic for Fabry disease. Last evaluated: 2022-05-04. Review status: criteria provided, single submitter. Criteria: Mendelics Assertion Criteria 2019. Collection method: clinical testing. Allele origin: germline.

Literature cited by the submitters: PubMed 34356073 (cited by Genomenon, Inc); PubMed 39669636 (cited by Genomenon, Inc); PubMed 33204599 (cited by Genomenon, Inc); PubMed 38002959 (cited by Genomenon, Inc); PubMed 38847497 (cited by Genomenon, Inc); PubMed 10666480 (cited by Labcorp Genetics (formerly Invitae), Labcorp); PubMed 12175777 (cited by Labcorp Genetics (formerly Invitae), Labcorp).

NM_000169.3(GLA):c.782del (p.Gly261fs)

Genes: GLA (galactosidase alpha; minus strand), RPL36A-HNRNPH2 (RPL36A-HNRNPH2 readthrough; plus strand). Cytogenetic location: Xq22.1.
Variant type: Deletion.
Coding change: c.782del on transcript NM_000169.3 (MANE Select); coding-DNA position 782, one base deleted (G; older notation c.782delG).
Protein change: p.Gly261fs; shifts the reading frame from glycine 261.
Molecular consequence: frameshift variant. On other transcripts: non-coding transcript variant (3), intron variant (2).
Genome position (GRCh38, 1-based): chrX:101,398,804, C deleted on the plus strand (G on the coding strand, the reverse complement: GLA is on the minus strand); the first of 5 consecutive C bases (chrX:101,398,804-101,398,808); deleting any one gives the same sequence. VCF-style (leftmost placement, unchanged base first): chrX-101398803-AC-A. GRCh37 (hg19) VCF-style: chrX-100653791-AC-A.
Other names: c.782delG (NM_000169.2); c.905del, p.Gly302fs (NM_001406747.1); c.782del, p.Gly261fs (NM_001406748.1); c.300+3351del (NM_001199973.2); c.177+6986del (NM_001199974.2); short protein forms G261fs, G302fs.
Identifiers: ClinVar variation 1685852 (VCV001685852.6), dbSNP rs869312400, ClinGen allele CA2573159080.